The following is an entry in ClinVar:

NM_000796.6(DRD3):c.987A>G (p.Gln329=)

Gene: DRD3 (dopamine receptor D3; minus strand). Cytogenetic location: 3q13.31.
Variant type: single nucleotide variant.
Coding change: c.987A>G on transcript NM_000796.6 (MANE Select); coding-DNA position 987, A replaced by G.
Protein change: p.Gln329=; no amino-acid change (glutamine 329 retained).
Molecular consequence: synonymous variant.
Genome position (GRCh38, 1-based): chr3:114,131,137, T>C on the plus strand (A>G on the coding strand, the complement: DRD3 is on the minus strand). VCF-style: chr3-114131137-T-C. GRCh37 (hg19) VCF-style: chr3-113849984-T-C.
Other names: c.987A>G, p.Gln329= (NM_001282563.2, NM_001290809.1); c.888A>G, p.Gln296= (NM_033663.6).
Identifiers: ClinVar variation 342596 (VCV000342596.10), dbSNP rs61735073, ClinGen allele CA2550482.

ClinVar aggregate classification (germline): Benign. Review status: criteria provided, multiple submitters, no conflicts (2 of 4 stars). 3 submissions from 3 submitters: Benign (3). Last evaluated 2019-12-31.

Conditions:
Tremor, hereditary essential, 1 (ETM1). Also called: Familial essential tremor. Identifiers: MedGen C1860861, MONDO:0008590, OMIM 190300.

Allele frequency attached by ClinVar (database versions not stated): gnomAD exomes 0.00219 and 0.00527; ExAC 0.00619; gnomAD 0.01322 and 0.01357; ESP Exome Variant Server 0.01392; TOPMed 0.01464; 1000 Genomes Project 30x 0.01655; 1000 Genomes Project 0.01657.
gnomAD v4.1: 5,348 of 1,613,948 alleles (0.33%); highest among the groups gnomAD compares: African/African-American, 4.5%; 83 homozygotes.

Submissions (3):

Labcorp Genetics (formerly Invitae), Labcorp
Classification: Benign. Last evaluated: 2019-12-31. Review status: criteria provided, single submitter. Criteria: Invitae Variant Classification Sherloc (09022015). Collection method: clinical testing. Allele origin: germline.

Illumina Laboratory Services, Illumina
Classification: Benign for Tremor, hereditary essential, 1. Last evaluated: 2018-01-12. Review status: criteria provided, single submitter. Criteria: ICSL Variant Classification Criteria 13 December 2019. Collection method: clinical testing. Allele origin: germline.
Comment: This variant was observed in the ICSL laboratory as part of a predisposition screen in an ostensibly healthy population. It had not been previously curated by ICSL or reported in the Human Gene Mutation Database (HGMD: prior to June 1st, 2018), and was therefore a candidate for classification through an automated scoring system. Utilizing variant allele frequency, disease prevalence and penetrance estimates, and inheritance mode, an automated score was calculated to assess if this variant is too frequent to cause the disease. Based on the score and internal cut-off values, a variant classified as benign is not then subjected to further curation. The score for this variant resulted in a classification of benign for this disease.

Breakthrough Genomics
Classification: Benign. Review status: criteria provided, single submitter. Criteria: ACMG Guidelines, 2015. Collection method: not provided. Allele origin: germline. Inheritance: Autosomal dominant inheritance. Affected: yes.